The following is an entry in ClinVar:

ClinVar aggregate classification (germline): Uncertain significance (1 of 4 stars; one submission).

Allele frequency attached by ClinVar (database versions not stated): gnomAD exomes below 0.00001 and 0.00002; gnomAD 0.00001; TOPMed 0.00001; ExAC 0.00002.
gnomAD v4.1: 5 of 1,585,070 alleles (0.00032%); highest among the groups gnomAD compares: Admixed American, 0.0084%; no homozygotes.

Submission:

Labcorp Genetics (formerly Invitae), Labcorp
Classification: Uncertain significance. Last evaluated: 2021-10-27. Review status: criteria provided, single submitter. Criteria: Invitae Variant Classification Sherloc (09022015). Collection method: clinical testing. Allele origin: germline.
Comment: This sequence change replaces valine, a(n) neutral and non-polar amino acid, with isoleucine, a(n) neutral and non-polar amino acid, at codon 4094 of the FAT4 protein (p.Val4094Ile). This variant is present in population databases (rs768534192, gnomAD 0.01%). This variant has not been reported in the literature in individuals affected with FAT4-related conditions. Advanced modeling of protein sequence and biophysical properties (such as structural, functional, and spatial information, amino acid conservation, physicochemical variation, residue mobility, and thermodynamic stability) performed at Invitae indicates that this missense variant is not expected to disrupt FAT4 protein function. In summary, the available evidence is currently insufficient to determine the role of this variant in disease. Therefore, it has been classified as a Variant of Uncertain Significance.

NM_001291303.3(FAT4):c.12286G>A (p.Val4096Ile)

Gene: FAT4 (FAT atypical cadherin 4; plus strand). Cytogenetic location: 4q28.1.
Variant type: single nucleotide variant.
Coding change: c.12286G>A on transcript NM_001291303.3 (MANE Select); coding-DNA position 12286, G replaced by A.
Protein change: p.Val4096Ile; replaces valine 4096 with isoleucine.
Molecular consequence: missense variant.
Genome position (GRCh38, 1-based): chr4:125,476,243, G>A. VCF-style: chr4-125476243-G-A. GRCh37 (hg19) VCF-style: chr4-126397398-G-A.
Other names: c.12286G>A, p.Val4096Ile (NM_001291285.3); c.12280G>A, p.Val4094Ile (NM_024582.6); short protein forms V4094I, V4096I.
Identifiers: ClinVar variation 1471287 (VCV001471287.3), dbSNP rs768534192, ClinGen allele CA3074049.